The following is an entry in ClinVar:

ClinVar aggregate classification (germline): Uncertain significance (1 of 4 stars; one submission).

Submission:

GeneDx
Classification: Uncertain significance. Last evaluated: 2020-06-29. Review status: criteria provided, single submitter. Criteria: GeneDx Variant Classification Process June 2021. Collection method: clinical testing. Allele origin: germline. Affected: yes.
Comment: Not observed in large population cohorts (Lek et al., 2016); In-silico analyses, including protein predictors and evolutionary conservation, support a deleterious effect; Has not been previously published as pathogenic or benign to our knowledge

NM_181672.3(OGT):c.464A>T (p.Asp155Val)

Gene: OGT (O-linked N-acetylglucosamine (GlcNAc) transferase; plus strand). Cytogenetic location: Xq13.1.
Variant type: single nucleotide variant.
Coding change: c.464A>T on transcript NM_181672.3 (MANE Select); coding-DNA position 464, A replaced by T.
Protein change: p.Asp155Val; replaces aspartic acid 155 with valine.
Molecular consequence: missense variant.
Genome position (GRCh38, 1-based): chrX:71,544,568, A>T. VCF-style: chrX-71544568-A-T. GRCh37 (hg19) VCF-style: chrX-70764418-A-T.
Other names: c.434A>T, p.Asp145Val (NM_181673.3); short protein forms D145V, D155V.
Identifiers: ClinVar variation 1312795 (VCV001312795.2), dbSNP rs2147672793, ClinGen allele CA413539089.